The following is an entry in ClinVar:

NM_000458.4(HNF1B):c.157G>A (p.Gly53Arg)

Gene: HNF1B (HNF1 homeobox B; minus strand). Cytogenetic location: 17q12.
Variant type: single nucleotide variant.
Coding change: c.157G>A on transcript NM_000458.4 (MANE Select); coding-DNA position 157, G replaced by A.
Protein change: p.Gly53Arg; replaces glycine 53 with arginine.
Molecular consequence: missense variant.
Genome position (GRCh38, 1-based): chr17:37,744,728, C>T on the plus strand (G>A on the coding strand, the complement: HNF1B is on the minus strand). VCF-style: chr17-37744728-C-T. GRCh37 (hg19) VCF-style: chr17-36104719-C-T.
Other names: c.157G>A, p.Gly53Arg (NM_001165923.4, NM_001304286.2, NM_001411100.1); short protein forms G53R.
Identifiers: ClinVar variation 2084852 (VCV002084852.26), dbSNP rs2034119580, ClinGen allele CA398754209.

ClinVar aggregate classification (germline): Uncertain significance. Review status: criteria provided, multiple submitters, no conflicts (2 of 4 stars). 2 submissions from 2 submitters: Uncertain significance (2). Last evaluated 2024-02-01.

Submissions (2):

CeGaT Center for Human Genetics Tuebingen
Classification: Uncertain significance. Last evaluated: 2024-02-01. Review status: criteria provided, single submitter. Criteria: CeGaT Center For Human Genetics Tuebingen Variant Classification Criteria Version 2. Collection method: clinical testing. Allele origin: germline. Affected: yes. Observed: 1 variant allele.
Comment: HNF1B: PM2

Labcorp Genetics (formerly Invitae), Labcorp
Classification: Uncertain significance. Last evaluated: 2022-10-12. Review status: criteria provided, single submitter. Criteria: Invitae Variant Classification Sherloc (09022015). Collection method: clinical testing. Allele origin: germline.
Comment: This variant has not been reported in the literature in individuals affected with HNF1B-related conditions. In summary, the available evidence is currently insufficient to determine the role of this variant in disease. Therefore, it has been classified as a Variant of Uncertain Significance. Advanced modeling of protein sequence and biophysical properties (such as structural, functional, and spatial information, amino acid conservation, physicochemical variation, residue mobility, and thermodynamic stability) performed at Invitae indicates that this missense variant is not expected to disrupt HNF1B protein function. This variant is not present in population databases (gnomAD no frequency). This sequence change replaces glycine, which is neutral and non-polar, with arginine, which is basic and polar, at codon 53 of the HNF1B protein (p.Gly53Arg).